The following is an entry in ClinVar:

ClinVar aggregate classification (germline): Uncertain significance (1 of 4 stars; one submission).

Submission:

Labcorp Genetics (formerly Invitae), Labcorp
Classification: Uncertain significance. Last evaluated: 2023-06-30. Review status: criteria provided, single submitter. Criteria: Invitae Variant Classification Sherloc (09022015). Collection method: clinical testing. Allele origin: germline.
Comment: This sequence change replaces glutamine, which is neutral and polar, with proline, which is neutral and non-polar, at codon 986 of the TAOK2 protein (p.Gln986Pro). In summary, the available evidence is currently insufficient to determine the role of this variant in disease. Therefore, it has been classified as a Variant of Uncertain Significance. An algorithm developed to predict the effect of missense changes on protein structure and function (PolyPhen-2) suggests that this variant is likely to be disruptive. This variant has not been reported in the literature in individuals affected with TAOK2-related conditions. This variant is not present in population databases (gnomAD no frequency).

NM_016151.4(TAOK2):c.2957A>C (p.Gln986Pro)

Gene: TAOK2 (TAO kinase 2; plus strand). Cytogenetic location: 16p11.2.
Variant type: single nucleotide variant.
Coding change: c.2957A>C on transcript NM_016151.4 (MANE Select); coding-DNA position 2957, A replaced by C.
Protein change: p.Gln986Pro; replaces glutamine 986 with proline.
Molecular consequence: missense variant. On other transcripts: intron variant (1).
Genome position (GRCh38, 1-based): chr16:29,987,229, A>C. VCF-style: chr16-29987229-A-C. GRCh37 (hg19) VCF-style: chr16-29998550-A-C.
Other names: c.2618A>C, p.Gln873Pro (NM_001252043.2); c.2232+725A>C (NM_004783.4); short protein forms Q986P, Q873P.
Identifiers: ClinVar variation 2830247 (VCV002830247.3), dbSNP rs2543668461, ClinGen allele CA395497542.